The following is an entry in ClinVar:

ClinVar aggregate classification (germline): Likely benign (1 of 4 stars; one submission).

Conditions:
Fabry disease. Also called: Fabry's disease; ALPHA-GALACTOSIDASE A DEFICIENCY; ANDERSON-FABRY DISEASE; CERAMIDE TRIHEXOSIDASE DEFICIENCY; GLA DEFICIENCY; HEREDITARY DYSTOPIC LIPIDOSIS. Identifiers: Orphanet 324, MedGen C0002986, MONDO:0010526, OMIM 301500, HP:0001071. Disease mechanism: Fabry disease is due to inactivating mutations in the X-linked GLA gene resulting in deficiency of the enzyme Alpha Galactosidase-A., loss of function.

Submission:

All of Us Research Program, National Institutes of Health
Classification: Likely benign for Fabry disease. Last evaluated: 2024-06-17. Review status: criteria provided, single submitter. Criteria: ACMG Guidelines, 2015. Collection method: clinical testing. Allele origin: germline. Inheritance: X-linked inheritance. Observed: 2 variant alleles, 1 heterozygote, 1 hemizygote.
Comment: This study involves interpretation of variants in research participants for the purpose of population health screening. Participant phenotype was not available at the time of variant classification. Additional details can be found in publication PMID: 35346344, PMCID: PMC8962531

NM_000169.3(GLA):c.1206G>A (p.Arg402=)

Genes: GLA (galactosidase alpha; minus strand), RPL36A-HNRNPH2 (RPL36A-HNRNPH2 readthrough; plus strand). Cytogenetic location: Xq22.1.
Variant type: single nucleotide variant.
Coding change: c.1206G>A on transcript NM_000169.3 (MANE Select); coding-DNA position 1206, G replaced by A.
Protein change: p.Arg402=; no amino-acid change (arginine 402 retained).
Molecular consequence: synonymous variant. On other transcripts: non-coding transcript variant (3), intron variant (2).
Genome position (GRCh38, 1-based): chrX:101,397,893, C>T on the plus strand (G>A on the coding strand, the complement: GLA is on the minus strand). VCF-style: chrX-101397893-C-T. GRCh37 (hg19) VCF-style: chrX-100652881-C-T.
Other names: c.1329G>A, p.Arg443= (NM_001406747.1); c.300+2436C>T (NM_001199973.2); c.177+6071C>T (NM_001199974.2).
Identifiers: ClinVar variation 3386873 (VCV003386873.1).